The following is an entry in ClinVar:

ClinVar aggregate classification (germline): Likely pathogenic (1 of 4 stars; one submission).

Conditions:
Intellectual developmental disorder, X-linked, syndromic 33. Also called: X-linked intellectual disability-global development delay-facial dysmorphism-sacral caudal remnant syndrome; Intellectual disability, X-linked, syndromic 33. Identifiers: Orphanet 480907, MedGen C4225418, MONDO:0010500, OMIM 300966.

Submission:

Greenwood Genetic Center Diagnostic Laboratories, Greenwood Genetic Center
Classification: Likely pathogenic for Intellectual developmental disorder, X-linked, syndromic 33. Last evaluated: 2021-06-16. Review status: criteria provided, single submitter. Criteria: ACMG Guidelines, 2015. Collection method: clinical testing. Allele origin: germline. Affected: yes.
Comment: PS3, PP3, PM2

NM_004606.5(TAF1):c.4286A>C (p.Gln1429Pro)

Gene: TAF1 (TATA-box binding protein associated factor 1; plus strand). Cytogenetic location: Xq13.1.
Variant type: single nucleotide variant.
Coding change: c.4286A>C on transcript NM_004606.5 (MANE Select); coding-DNA position 4286, A replaced by C.
Protein change: p.Gln1429Pro; replaces glutamine 1429 with proline.
Molecular consequence: missense variant. On other transcripts: non-coding transcript variant (9).
Genome position (GRCh38, 1-based): chrX:71,408,053, A>C. VCF-style: chrX-71408053-A-C. GRCh37 (hg19) VCF-style: chrX-70627903-A-C.
Other names: c.4286A>C, p.Gln1429Pro (NM_001286074.2); c.4223A>C, p.Gln1408Pro (NM_138923.4); short protein forms Q1408P, Q1429P.
Identifiers: ClinVar variation 1334495 (VCV001334495.4), dbSNP rs2148488146, ClinGen allele CA413537373.